The following is an entry in ClinVar:

NM_007294.4(BRCA1):c.5002T>C (p.Phe1668Leu)

Gene: BRCA1 (BRCA1 DNA repair associated; minus strand). Cytogenetic location: 17q21.31.
Variant type: single nucleotide variant.
Coding change: c.5002T>C on transcript NM_007294.4 (MANE Select); coding-DNA position 5002, T replaced by C.
Protein change: p.Phe1668Leu; replaces phenylalanine 1668 with leucine.
Molecular consequence: missense variant. On other transcripts: non-coding transcript variant (1).
Genome position (GRCh38, 1-based): chr17:43,067,680, A>G on the plus strand (T>C on the coding strand, the complement: BRCA1 is on the minus strand). VCF-style: chr17-43067680-A-G. GRCh37 (hg19) VCF-style: chr17-41219697-A-G.
Other names: c.4789T>C, p.Phe1597Leu (NM_001407571.1, NM_001407897.1, NM_001407898.1 and 12 more transcripts); c.5068T>C, p.Phe1690Leu (NM_001407581.1, NM_001407582.1); c.5065T>C, p.Phe1689Leu (NM_001407583.1, NM_001407585.1, NM_001407587.1 and 1 more transcripts); c.5062T>C, p.Phe1688Leu (NM_001407590.1, NM_001407591.1); c.5002T>C, p.Phe1668Leu (NM_001407593.1, NM_001407594.1, NM_001407596.1 and 8 more transcripts); c.4999T>C, p.Phe1667Leu (NM_001407610.1, NM_001407611.1, NM_001407612.1 and 17 more transcripts); c.4996T>C, p.Phe1666Leu (NM_001407627.1, NM_001407628.1, NM_001407629.1 and 14 more transcripts); c.4990T>C, p.Phe1664Leu (NM_001407646.1); and 70 more; short protein forms F1668L, F1689L, F564L, F1621L, F1372L, F1557L, F1580L, F1597L.
Identifiers: ClinVar variation 868514 (VCV000868514.8), dbSNP rs587781472, ClinGen allele CA10591516.
Genomic context (GRCh38, chr17:43,067,680, plus strand): 5'-CAACATGAGTAGTCTCTTCAGTAATTAGATTAGTTAAAGTGATGTGGTGTTTTCTGGCAA[A>G]CTTGTACACGAGCATCTGAAATTAAATCAAATATTCCATTATCATGAGTTACCTCTAGCA-3'
Protein context (NP_009225.1, residues 1658-1678): TPEEFMLVYK[Phe1668Leu]ARKHHITLTN

ClinVar aggregate classification (germline): Uncertain significance. Review status: criteria provided, multiple submitters, no conflicts (2 of 4 stars). 2 submissions from 2 submitters: Uncertain significance (2). Last evaluated 2024-05-01.

Conditions:
Hereditary breast ovarian cancer syndrome. Also called: Hereditary breast and ovarian cancer; Hereditary breast and ovarian cancer syndrome (HBOC); Breast and ovarian cancer; Hereditary breast and/or ovarian cancer syndrome; BRCA1- and BRCA2-Associated Hereditary Breast and Ovarian Cancer; Hereditary breast and ovarian cancer syndrome. Identifiers: Orphanet 145, MedGen C0677776, MeSH D061325, MONDO:0003582. Disease mechanism: loss of function.
Hereditary cancer-predisposing syndrome. Also called: Neoplastic Syndromes, Hereditary; Tumor predisposition; Hereditary Cancer Syndrome; Hereditary neoplastic syndrome. Identifiers: Orphanet 140162, MedGen C0027672, MeSH D009386, MONDO:0015356.

Allele frequency attached by ClinVar (database versions not stated): gnomAD exomes below 0.00001.
gnomAD v4.1: 6 of 1,612,690 alleles (0.00037%); highest among the groups gnomAD compares: South Asian, 0.0011%; no homozygotes.

Submissions (3):

Labcorp Genetics (formerly Invitae), Labcorp
Classification: Uncertain significance for Hereditary breast ovarian cancer syndrome. Last evaluated: 2024-05-01. Review status: criteria provided, single submitter. Criteria: Invitae Variant Classification Sherloc (09022015). Collection method: clinical testing. Allele origin: germline.
Comment: This sequence change replaces phenylalanine, which is neutral and non-polar, with leucine, which is neutral and non-polar, at codon 1668 of the BRCA1 protein (p.Phe1668Leu). This variant is present in population databases (no rsID available, gnomAD 0.003%). This missense change has been observed in individual(s) with hereditary breast and ovarian cancer (PMID: 34981296). ClinVar contains an entry for this variant (Variation ID: 868514). Advanced modeling performed at Invitae incorporating data from internal and/or published experimental studies (PMID: 30209399) indicates that this missense variant is not expected to disrupt BRCA1 function with a negative predictive value of 95%. In summary, the available evidence is currently insufficient to determine the role of this variant in disease. Therefore, it has been classified as a Variant of Uncertain Significance.

Color Diagnostics, LLC DBA Color Health
Classification: Uncertain significance for Hereditary cancer-predisposing syndrome. Last evaluated: 2023-05-17. Review status: criteria provided, single submitter. Criteria: ACMG Guidelines, 2015. Collection method: clinical testing. Allele origin: germline.
Comment: This missense variant replaces phenylalanine with leucine at codon 1668 of the BRCA1 protein. Computational prediction is inconclusive regarding the impact of this variant on protein structure and function (internally defined REVEL score threshold 0.5 < inconclusive < 0.7, PMID: 27666373). Functional studies have reported conflicting findings for this variant protein in which this variant was reported to not impact BRCA1 function in a haploid cell proliferation assay, transcription activation assay, and cisplatin and PARP inhibitor sensitivity assays (PMID: 30209399, 32546644, 37085799) and defective in homology-directed DNA repair assays (PMID: 32546644, 37085799). To our knowledge, this variant has not been reported in individuals affected with BRCA1-related disorders in the literature. This variant has been identified in 1/251352 chromosomes in the general population by the Genome Aggregation Database (gnomAD). The available evidence is insufficient to determine the role of this variant in disease conclusively. Therefore, this variant is classified as a Variant of Uncertain Significance.

Brotman Baty Institute, University of Washington
No classification provided (evidence only). Condition: Breast-ovarian cancer, familial 1. Review status: no classification provided. Collection method: in vitro. Allele origin: not applicable. Functional consequence: functionally_normal. Not counted in ClinVar's aggregate classification.
ClinVar note: "not provided" was previously submitted as the classification for the variant. However, the classification appeared to be based only on an observation of functional data so it was converted to no classification on 2025-07-30.

Literature cited by the submitters: PubMed 34981296 (cited by Labcorp Genetics (formerly Invitae), Labcorp); PubMed 30209399 (cited by Labcorp Genetics (formerly Invitae), Labcorp and Color Diagnostics, LLC DBA Color Health); PubMed 32546644 (cited by Color Diagnostics, LLC DBA Color Health); PubMed 37085799 (cited by Color Diagnostics, LLC DBA Color Health).